The following is an entry in ClinVar:

ClinVar aggregate classification (germline): Uncertain significance (1 of 4 stars; one submission).

Conditions:
LMNB1-related disorder. Also called: LMNB1-related condition; LMNB1-Related Disorders.

Allele frequency attached by ClinVar (database versions not stated): gnomAD exomes below 0.00001; ExAC 0.00002.
gnomAD v4.1: 2 of 1,614,102 alleles (0.00012%); highest among the groups gnomAD compares: Non-Finnish European, 0.00017%; no homozygotes.

Submission:

PreventionGenetics, part of Exact Sciences
Classification: Uncertain significance for LMNB1-related condition. Last evaluated: 2023-06-29. Review status: criteria provided, single submitter. Criteria: ACMG Guidelines, 2015. Collection method: clinical testing. Allele origin: germline.
Comment: The LMNB1 c.386A>T variant is predicted to result in the amino acid substitution p.Asn129Ile. To our knowledge, this variant has not been reported in the literature. This variant is reported in 0.0018% of alleles in individuals of European (Non-Finnish) descent in gnomAD. At this time, the clinical significance of this variant is uncertain due to the absence of conclusive functional and genetic evidence.

NM_005573.4(LMNB1):c.386A>T (p.Asn129Ile)

Gene: LMNB1 (lamin B1; plus strand). Cytogenetic location: 5q23.2.
Variant type: single nucleotide variant.
Coding change: c.386A>T on transcript NM_005573.4 (MANE Select); coding-DNA position 386, A replaced by T.
Protein change: p.Asn129Ile; replaces asparagine 129 with isoleucine.
Molecular consequence: missense variant. On other transcripts: 5 prime UTR variant (1), non-coding transcript variant (2).
Genome position (GRCh38, 1-based): chr5:126,804,802, A>T. VCF-style: chr5-126804802-A-T. GRCh37 (hg19) VCF-style: chr5-126140494-A-T.
Other names: c.-245A>T (NM_001198557.2); short protein forms N129I.
Identifiers: ClinVar variation 2631298 (VCV002631298.1), dbSNP rs778185749, ClinGen allele CA3390449.